The following is an entry in ClinVar:

ClinVar aggregate classification (germline): Likely pathogenic (1 of 4 stars; one submission).

Conditions:
Autosomal recessive polycystic kidney disease (ARPKD). Also called: AR polycystic kidney disease. Identifiers: Orphanet 731, Orphanet 8378, MedGen C0085548, MeSH D017044, MONDO:0009889.

Submission:

Natera, Inc.
Classification: Likely pathogenic for Autosomal recessive polycystic kidney disease. Last evaluated: 2025-05-29. Review status: criteria provided, single submitter. Criteria: Natera Variant Classification Schema (03/2026). Collection method: clinical testing. Allele origin: germline.
Comment: The c.3864del variant in PKHD1 is a frameshift variant predicted to shift the reading frame beginning at codon 1290 and leads to a stop codon 13 codons downstream. This variant is expected to result in nonsense mediated decay, truncation, or a dysfunctional protein product. This variant is rare in the general population with a frequency below the threshold expected for the associated phenotype(s). Given the available evidence, this variant is classified as Likely Pathogenic.

NM_138694.4(PKHD1):c.3864del (p.Gly1290fs)

Gene: PKHD1 (PKHD1 ciliary IPT domain containing fibrocystin/polyductin; minus strand). Cytogenetic location: 6p12.2.
Variant type: Deletion.
Coding change: c.3864del on transcript NM_138694.4 (MANE Select); coding-DNA position 3864, one base deleted (G; older notation c.3864delG).
Protein change: p.Gly1290fs; shifts the reading frame from glycine 1290.
Molecular consequence: frameshift variant.
Genome position (GRCh38, 1-based): chr6:52,025,946, C deleted on the plus strand (G on the coding strand, the reverse complement: PKHD1 is on the minus strand); the first of 4 consecutive C bases (chr6:52,025,946-52,025,949); deleting any one gives the same sequence. VCF-style (leftmost placement, unchanged base first): chr6-52025945-TC-T. GRCh37 (hg19) VCF-style: chr6-51890743-TC-T.
Other names: c.3864del, p.Gly1290fs (NM_170724.3); short protein forms G1290fs.
Identifiers: ClinVar variation 4059793 (VCV004059793.2).
Genomic context (GRCh38, chr6:52,025,945, plus strand): 5'-CTCCTTGCATGGCAGTGACTACTGGTGTTGCTGCCGCTTCATACATGAAGGTGAAGCCTT[TC>T]CCCACCAAGCTTGGTGAAGGACCACGGGCGAAGAACCTGTTGCCAGCCCAGACCTCCACG-3'